The following is an entry in ClinVar:

ClinVar aggregate classification (germline): Uncertain significance (1 of 4 stars; one submission).

Submission:

Labcorp Genetics (formerly Invitae), Labcorp
Classification: Uncertain significance. Last evaluated: 2022-11-18. Review status: criteria provided, single submitter. Criteria: Invitae Variant Classification Sherloc (09022015). Collection method: clinical testing. Allele origin: germline.
Comment: This sequence change replaces leucine, which is neutral and non-polar, with serine, which is neutral and polar, at codon 369 of the SNIP1 protein (p.Leu369Ser). This variant is not present in population databases (gnomAD no frequency). This variant has not been reported in the literature in individuals affected with SNIP1-related conditions. Advanced modeling of protein sequence and biophysical properties (such as structural, functional, and spatial information, amino acid conservation, physicochemical variation, residue mobility, and thermodynamic stability) performed at Invitae indicates that this missense variant is expected to disrupt SNIP1 protein function. In summary, the available evidence is currently insufficient to determine the role of this variant in disease. Therefore, it has been classified as a Variant of Uncertain Significance.

NM_024700.4(SNIP1):c.1106T>C (p.Leu369Ser)

Gene: SNIP1 (Smad nuclear interacting protein 1; minus strand). Cytogenetic location: 1p34.3.
Variant type: single nucleotide variant.
Coding change: c.1106T>C on transcript NM_024700.4 (MANE Select); coding-DNA position 1106, T replaced by C.
Protein change: p.Leu369Ser; replaces leucine 369 with serine.
Molecular consequence: missense variant.
Genome position (GRCh38, 1-based): chr1:37,537,833, A>G on the plus strand (T>C on the coding strand, the complement: SNIP1 is on the minus strand). VCF-style: chr1-37537833-A-G. GRCh37 (hg19) VCF-style: chr1-38003434-A-G.
Other names: short protein forms L369S.
Identifiers: ClinVar variation 2815103 (VCV002815103.3), dbSNP rs2522339144, ClinGen allele CA339444305.